The following is an entry in ClinVar:

ClinVar aggregate classification (germline): Uncertain significance. Review status: criteria provided, multiple submitters, no conflicts (2 of 4 stars). 2 submissions from 2 submitters: Uncertain significance (2). Last evaluated 2025-02-11.

Conditions:
Oculofaciocardiodental syndrome (MCOPS2). Identifiers: Orphanet 2712, MedGen C1846265, MONDO:0010261, OMIM 300166.

gnomAD v4.1: 3 of 1,211,919 alleles (0.00025%); highest among the groups gnomAD compares: South Asian, 0.0053%; no homozygotes.

Submissions (2):

GeneDx
Classification: Uncertain significance. Last evaluated: 2025-02-11. Review status: criteria provided, single submitter. Criteria: GeneDx Variant Classification Process June 2021. Collection method: clinical testing. Allele origin: germline. Affected: yes.
Comment: In silico analysis indicates that this missense variant does not alter protein structure/function; Has not been previously published as pathogenic or benign to our knowledge

Revvity Omics, Revvity
Classification: Uncertain significance for Oculofaciocardiodental syndrome. Last evaluated: 2023-11-02. Review status: criteria provided, single submitter. Criteria: ACMG Guidelines, 2015. Collection method: clinical testing. Allele origin: germline.

NM_001123385.2(BCOR):c.2819C>A (p.Thr940Asn)

Gene: BCOR (BCL6 corepressor; minus strand). Cytogenetic location: Xp11.4.
Variant type: single nucleotide variant.
Coding change: c.2819C>A on transcript NM_001123385.2 (MANE Select); coding-DNA position 2819, C replaced by A.
Protein change: p.Thr940Asn; replaces threonine 940 with asparagine.
Molecular consequence: missense variant.
Genome position (GRCh38, 1-based): chrX:40,072,527, G>T on the plus strand (C>A on the coding strand, the complement: BCOR is on the minus strand). VCF-style: chrX-40072527-G-T. GRCh37 (hg19) VCF-style: chrX-39931780-G-T.
Other names: c.2819C>A, p.Thr940Asn (NM_001123383.2, NM_001123384.2, NM_001437510.1 and 4 more transcripts); short protein forms T940N.
Identifiers: ClinVar variation 4074700 (VCV004074700.2).